The following is an entry in ClinVar:

ClinVar aggregate classification (germline): Likely pathogenic. Review status: criteria provided, single submitter (1 of 4 stars). 2 submissions from 2 submitters: Likely pathogenic (1). 1 of the submissions does not count toward it. Last evaluated 2022-07-28.

Conditions:
Cone-rod dystrophy 20 (CORD20). Identifiers: Orphanet 1872, MedGen C4014856, MONDO:0014427, OMIM 615973.

Submissions (2):

MGZ Medical Genetics Center
Classification: Likely pathogenic for Cone-rod dystrophy 20. Last evaluated: 2022-07-28. Review status: criteria provided, single submitter. Criteria: ACMG Guidelines, 2015. Collection method: clinical testing. Allele origin: germline. Affected: yes. Observed: 1 variant allele.
Comment: ACMG criteria applied: PVS1, PM2_SUP

Bioscientia Institut fuer Medizinische Diagnostik GmbH, Sonic Healthcare
Classification: Likely pathogenic for Cone-rod dystrophy 20. Last evaluated: 2020-05-06. Review status: no assertion criteria provided. Collection method: clinical testing. Allele origin: germline. Affected: yes. Not counted in ClinVar's aggregate classification.

NM_172240.3(POC1B):c.52A>T (p.Lys18Ter)

Genes: POC1B (POC1 centriolar protein B; minus strand), POC1B-DUSP6 (POC1B-DUSP6 readthrough; minus strand), POC1B-GALNT4 (POC1B-GALNT4 readthrough; minus strand), LOC130008356 (ATAC-STARR-seq lymphoblastoid silent region 4693; plus strand). Cytogenetic location: 12q21.33.
Variant type: single nucleotide variant.
Coding change: c.52A>T on transcript NM_172240.3 (MANE Select); coding-DNA position 52, A replaced by T.
Protein change: p.Lys18Ter; replaces lysine 18 with a stop codon.
Molecular consequence: nonsense. On other transcripts: synonymous variant (1), 5 prime UTR variant (1), non-coding transcript variant (2).
Genome position (GRCh38, 1-based): chr12:89,525,168, T>A on the plus strand (A>T on the coding strand, the complement: POC1B is on the minus strand). VCF-style: chr12-89525168-T-A. GRCh37 (hg19) VCF-style: chr12-89918945-T-A.
Other names: c.52A>T, p.Lys18Ter (NM_001199781.2); c.312A>T, p.Thr104= (NM_001199782.1); c.-75A>T (NM_001199777.2); short protein forms K18*.
Identifiers: ClinVar variation 992468 (VCV000992468.4), dbSNP rs758725010, ClinGen allele CA386008178.